The following is an entry in ClinVar:

ClinVar aggregate classification (germline): Uncertain significance. Review status: criteria provided, multiple submitters, no conflicts (2 of 4 stars). 2 submissions from 2 submitters: Uncertain significance (2). Last evaluated 2024-02-28.

Conditions:
Inborn genetic diseases. Identifiers: MedGen C0950123, MeSH D030342.

Allele frequency attached by ClinVar (database versions not stated): TOPMed below 0.00001; gnomAD 0.00001; gnomAD exomes 0.00002.
gnomAD v4.1: 26 of 1,551,584 alleles (0.0017%); highest among the groups gnomAD compares: East Asian, 0.0049%; no homozygotes.

Submissions (2):

Ambry Genetics
Classification: Uncertain significance for Inborn genetic diseases. Last evaluated: 2024-02-28. Review status: criteria provided, single submitter. Criteria: Ambry Variant Classification Scheme 2023. Collection method: clinical testing. Allele origin: germline.

Labcorp Genetics (formerly Invitae), Labcorp
Classification: Uncertain significance. Last evaluated: 2022-08-06. Review status: criteria provided, single submitter. Criteria: Invitae Variant Classification Sherloc (09022015). Collection method: clinical testing. Allele origin: germline.
Comment: This sequence change replaces alanine, which is neutral and non-polar, with threonine, which is neutral and polar, at codon 1519 of the LOXHD1 protein (p.Ala1519Thr). This variant is present in population databases (no rsID available, gnomAD 0.01%). This variant has not been reported in the literature in individuals affected with LOXHD1-related conditions. Algorithms developed to predict the effect of missense changes on protein structure and function are either unavailable or do not agree on the potential impact of this missense change (SIFT: "Tolerated"; PolyPhen-2: "Possibly Damaging"; Align-GVGD: "Class C0"). In summary, the available evidence is currently insufficient to determine the role of this variant in disease. Therefore, it has been classified as a Variant of Uncertain Significance.

NM_001384474.1(LOXHD1):c.4555G>A (p.Ala1519Thr)

Gene: LOXHD1 (lipoxygenase homology PLAT domains 1; minus strand). Cytogenetic location: 18q21.1.
Variant type: single nucleotide variant.
Coding change: c.4555G>A on transcript NM_001384474.1 (MANE Select); coding-DNA position 4555, G replaced by A.
Protein change: p.Ala1519Thr; replaces alanine 1519 with threonine.
Molecular consequence: missense variant.
Genome position (GRCh38, 1-based): chr18:46,524,893, C>T on the plus strand (G>A on the coding strand, the complement: LOXHD1 is on the minus strand). VCF-style: chr18-46524893-C-T. GRCh37 (hg19) VCF-style: chr18-44104856-C-T.
Other names: c.1222G>A, p.Ala408Thr (NM_001145472.3); c.934G>A, p.Ala312Thr (NM_001308013.2); c.4555G>A, p.Ala1519Thr (NM_144612.7); c.4555G>A (NM_144612.6); short protein forms A1519T, A312T, A408T.
Identifiers: ClinVar variation 2428085 (VCV002428085.4), dbSNP rs899694804, ClinGen allele CA299801861.
Genomic context (GRCh38, chr18:46,524,893, plus strand): 5'-CTGCGCACCACTTGGAGTTGTCATGGCGGAGCTTGATCTTGTAGATGACGCCTAGGTCAG[C>T]GGCCTCGATGATGAAGGTGTCAGCCTGGGGAGCCCAGATGTGGGGACTCATATGGGGGTG-3'
Protein context (NP_001371403.1, residues 1509-1529): GTADTFIIEA[Ala1519Thr]DLGVIYKIKL